The following is an entry in ClinVar:

NM_000539.3(RHO):c.448G>A (p.Glu150Lys)

Gene: RHO (rhodopsin; plus strand). Cytogenetic location: 3q22.1.
Variant type: single nucleotide variant.
Coding change: c.448G>A on transcript NM_000539.3 (MANE Select); coding-DNA position 448, G replaced by A.
Protein change: p.Glu150Lys; replaces glutamic acid 150 with lysine.
Molecular consequence: missense variant.
Genome position (GRCh38, 1-based): chr3:129,530,962, G>A. VCF-style: chr3-129530962-G-A. GRCh37 (hg19) VCF-style: chr3-129249805-G-A.
Other names: NP_000530.1:p.(Glu150Lys); short protein forms E150K.
Identifiers: ClinVar variation 13046 (VCV000013046.36), dbSNP rs104893791, ClinGen allele CA122824.

ClinVar aggregate classification (germline): Pathogenic/Likely pathogenic. Review status: criteria provided, multiple submitters, no conflicts (2 of 4 stars). 11 submissions from 11 submitters: Pathogenic (7); Likely pathogenic (2). 2 of the submissions do not count toward it. Last evaluated 2026-06-08.

Conditions:
RHO-related disorder. Also called: RHO-related condition.
Retinitis pigmentosa 4 (RP4). Also called: RETINITIS PIGMENTOSA, RHODOPSIN-RELATED. Identifiers: Orphanet 791, MedGen C3151001, MONDO:0013395, OMIM 613731.
Retinitis pigmentosa 4, autosomal recessive. Identifiers: MedGen C4016366.
Autosomal recessive retinitis pigmentosa. Identifiers: MedGen C0339526.
Retinal dystrophy. Also called: Inherited retinal dystrophy. Identifiers: Orphanet 71862, MedGen C0854723, MeSH D058499, MONDO:0019118, HP:0000556.
Retinal disorder. Also called: Retinal disorders; Retinopathies; Retinal Diseases; Retinopathy. Identifiers: MedGen C0035309, MONDO:0005283, HP:0000488.

Allele frequency attached by ClinVar (database versions not stated): TOPMed below 0.00001; 1000 Genomes Project 30x 0.00016.
gnomAD v4.1: 57 of 1,614,272 alleles (0.0035%); highest among the groups gnomAD compares: South Asian, 0.058%; no homozygotes.

Submissions (11):

Genetics Laboratory, Great Ormond Street Hospital NHS Foundation Trust, North Thames Genomic Laboratory Hub
Classification: Pathogenic for Retinal disorders. Last evaluated: 2026-06-08. Review status: criteria provided, single submitter. Criteria: ACGS Best Practice Guidelines for Variant Classification in Rare Disease 2024 v1.2. Collection method: clinical testing. Allele origin: germline. Affected: yes.
Comment: PM2_moderate, PP3_supporting, PS3_supporting, PP1_strong, PM3_moderate

Revvity Omics, Revvity
Classification: Pathogenic. Last evaluated: 2025-06-16. Review status: criteria provided, single submitter. Criteria: ACMG Guidelines, 2015. Collection method: clinical testing. Allele origin: germline.

Labcorp Genetics (formerly Invitae), Labcorp
Classification: Pathogenic. Last evaluated: 2025-05-28. Review status: criteria provided, single submitter. Criteria: Invitae Variant Classification Sherloc (09022015). Collection method: clinical testing. Allele origin: germline.
Comment: This sequence change replaces glutamic acid, which is acidic and polar, with lysine, which is basic and polar, at codon 150 of the RHO protein (p.Glu150Lys). This variant is present in population databases (rs104893791, gnomAD 0.04%). This missense change has been observed in individuals with autosomal recessive retinitis pigmentosa (PMID: 19960070, 26887858). It has also been observed to segregate with disease in related individuals. ClinVar contains an entry for this variant (Variation ID: 13046). Invitae Evidence Modeling of protein sequence and biophysical properties (such as structural, functional, and spatial information, amino acid conservation, physicochemical variation, residue mobility, and thermodynamic stability) has been performed for this missense variant. However, the output from this modeling did not meet the statistical confidence thresholds required to predict the impact of this variant on RHO protein function. Experimental studies have shown that this missense change affects RHO function (PMID: 23221340). For these reasons, this variant has been classified as Pathogenic.

3billion
Classification: Pathogenic for Retinitis pigmentosa 4. Last evaluated: 2024-11-22. Review status: criteria provided, single submitter. Criteria: ACMG Guidelines, 2015. Collection method: clinical testing. Allele origin: germline. Affected: yes.
Comment: The variant is observed at an extremely low frequency in the gnomAD v4.1.0 dataset (total allele frequency: 0.004%). Predicted Consequence/Location: Missense variant. Missense changes are a common disease-causing mechanism. In silico tool predictions suggest damaging effect of the variant on gene or gene product [REVEL: 0.71 (>=0.6, sensitivity 0.68 and specificity 0.92); 3Cnet: 0.99 (>=0.6, sensitivity 0.72 and precision 0.9)]. The same nucleotide change resulting in the same amino acid change has been previously reported as pathogenic/likely pathogenic with strong evidence (ClinVar ID: VCV000013046 /PMID: 7726911 /3billion dataset). The variant has been reported to co-segregate with the disease in at least 3 similarly affected relatives/individuals in the same family or similarly affected unrelated family (PMID: 19960070). Therefore, this variant is classified as Pathogenic according to the recommendation of ACMG/AMP guideline.

Blueprint Genetics
Classification: Pathogenic for RHO-related disorders. Last evaluated: 2024-11-07. Review status: criteria provided, single submitter. Criteria: ACMG Guidelines, 2015. Collection method: clinical testing. Allele origin: germline. Affected: yes. Observed: 5 variant alleles.

Victorian Clinical Genetics Services, Murdoch Childrens Research Institute
Classification: Pathogenic for Retinitis pigmentosa 4. Last evaluated: 2024-10-08. Review status: criteria provided, single submitter. Criteria: ACMG Guidelines, 2015. Collection method: clinical testing. Allele origin: germline. Inheritance: Autosomal recessive inheritance. Affected: no.
Comment: Based on the classification scheme VCGS_Germline_v1.3.4, this variant is classified as Pathogenic. Following criteria are met: 0102 - Loss of function is a known mechanism of disease in this gene and is associated with congenital stationary night blindness (MIM#610445), retinitis pigmentosa 4 (MIM#613731) and retinitis punctata albescens (MIM#136880). (I) 0108 - This gene is associated with both recessive and dominant disease (OMIM). (I) 0115 - Variants in this gene are known to have variable expressivity. Variants associated with dominant conditions in this gene are known to have variable expressivity and age of onset (PMID: 26887858). (I) 0200 - Variant is predicted to result in a missense amino acid change from glutamic acid to lysine. (I) 0251 - This variant is heterozygous. (I) 0304 - Variant is present in gnomAD (v2) <0.01 for a recessive condition (12 heterozygotes, 0 homozygotes). (SP) 0309 - An alternative amino acid change at the same position has been observed in gnomAD (v2) (5 heterozygotes, 0 homozygotes). (I) 0502 - Missense variant with conflicting in silico predictions and uninformative conservation. (I) 0600 - Variant is located in the annotated 7 transmembrane receptor (rhodopsin family) domain (DECIPHER). (I) 0801 - This variant has strong previous evidence of pathogenicity in unrelated individuals. This variant has been pathogenic or likely pathogenic by clinical laboratories in ClinVar, and has been observed as homozygous in four unrelated families in the literature all with retinitis pigmentosa (PMID: 19960070, 26887858, 37165311). (SP) 0901 - This variant has strong evidence for segregation with disease. This variant segregates with disease in a large family retinitis pigmentosa (PMID: 19960070). (SP) 1002 - This variant has moderate functional evidence supporting abnormal protein function. Knock-in mice homozygous for this variant displayed rapid retinal degeneration (PMID: 23221340). (SP) 1207 - Parental origin of the variant is unresolved (by trio analysis). (I) Legend: (SP) - Supporting pathogenic, (I) - Information, (SB) - Supporting benign

Ophthalmic Genetics Group, Institute of Molecular and Clinical Ophthalmology Basel
Classification: Pathogenic for Retinal dystrophy. Last evaluated: 2024-05-27. Review status: criteria provided, single submitter. Criteria: ACMG Guidelines, 2015. Collection method: research. Allele origin: germline. Affected: yes. Observed: 3 variant alleles.
Comment: This variant was classified as Pathogenic based on ACMG criteria: PS3_sup, PM1_mod, PM2_mod, PP3_sup and PP2_sup

Centre for Genomic Medicine, Manchester, Central Manchester University Hospitals
Classification: Likely pathogenic for Retinitis pigmentosa 4. Last evaluated: 2020-09-01. Review status: criteria provided, single submitter. Criteria: ACMG Guidelines, 2015. Collection method: clinical testing. Allele origin: germline. Affected: yes. Observed: 1 heterozygote, 2 homozygotes.

Institute of Human Genetics, Univ. Regensburg, Univ. Regensburg
Classification: Likely pathogenic for Retinal dystrophy. Last evaluated: 2020-01-01. Review status: criteria provided, single submitter. Criteria: ACMG Guidelines, 2015. Collection method: clinical testing. Allele origin: germline. Affected: yes.

Department of Biotechnology and Genetic Engineering, Kohat University of Science and Technology
Classification: Pathogenic for Autosomal Recessive Retinitis Pigmentosa. Last evaluated: 2022-08-22. Review status: no assertion criteria provided. Collection method: research. Allele origin: inherited. Inheritance: Autosomal recessive inheritance. Affected: yes. Observed: 9 variant alleles, 6 heterozygotes, 3 homozygotes. Not counted in ClinVar's aggregate classification.

OMIM
Classification: Pathogenic for RETINITIS PIGMENTOSA 4, AUTOSOMAL RECESSIVE. Last evaluated: 2006-08-04. Review status: no assertion criteria provided. Collection method: literature only. Allele origin: germline. Not counted in ClinVar's aggregate classification.

Literature cited by the submitters: PubMed 19960070 (cited by 4 submitters); PubMed 26887858 (cited by 3 submitters); PubMed 23221340 (cited by 3 submitters); PubMed 7726911 (cited by 3billion and Institute of Human Genetics, Univ. Regensburg, Univ. Regensburg); PubMed 37165311 (cited by Victorian Clinical Genetics Services, Murdoch Childrens Research Institute); PubMed 7987385 (cited by Ophthalmic Genetics Group, Institute of Molecular and Clinical Ophthalmology Basel and OMIM); PubMed 8317502 (cited by Ophthalmic Genetics Group, Institute of Molecular and Clinical Ophthalmology Basel and OMIM); PubMed 40180963 (cited by Ophthalmic Genetics Group, Institute of Molecular and Clinical Ophthalmology Basel); PubMed 21094163 (cited by Institute of Human Genetics, Univ. Regensburg, Univ. Regensburg); PubMed 30977563 (cited by Institute of Human Genetics, Univ. Regensburg, Univ. Regensburg); PubMed 31964843 (cited by Institute of Human Genetics, Univ. Regensburg, Univ. Regensburg); PubMed 36819107 (cited by Institute of Human Genetics, Univ. Regensburg, Univ. Regensburg); PubMed 16737970 (cited by OMIM).